The following is an entry in ClinVar:

NM_000458.4(HNF1B):c.345-24_345-12del

Gene: HNF1B (HNF1 homeobox B; minus strand). Cytogenetic location: 17q12.
Variant type: Deletion.
Coding change: c.345-24_345-12del on transcript NM_000458.4 (MANE Select); 24 bases into the intron before coding-DNA position 345 through 12 bases into the intron before coding-DNA position 345, 13 bases deleted (CTAACCATCTGCT).
Molecular consequence: intron variant.
Genome position (GRCh38, 1-based): chr17:37,739,651-37,739,663, AGCAGATGGTTAG deleted on the plus strand (CTAACCATCTGCT on the coding strand, the reverse complement: HNF1B is on the minus strand). VCF-style (leftmost placement, unchanged base first): chr17-37739650-AAGCAGATGGTTAG-A. GRCh37 (hg19) VCF-style: chr17-36099641-AAGCAGATGGTTAG-A.
Other names: c.345-24_345-12del (NM_001304286.2, NM_001165923.4).
Identifiers: ClinVar variation 2021469 (VCV002021469.4), dbSNP rs2511830181, ClinGen allele CA2580093615.

ClinVar aggregate classification (germline): Uncertain significance (1 of 4 stars; one submission).

Submission:

Labcorp Genetics (formerly Invitae), Labcorp
Classification: Uncertain significance. Last evaluated: 2022-08-04. Review status: criteria provided, single submitter. Criteria: Invitae Variant Classification Sherloc (09022015). Collection method: clinical testing. Allele origin: germline.
Comment: In summary, the available evidence is currently insufficient to determine the role of this variant in disease. Therefore, it has been classified as a Variant of Uncertain Significance. Algorithms developed to predict the effect of sequence changes on RNA splicing suggest that this variant may disrupt the consensus splice site. This variant has not been reported in the literature in individuals affected with HNF1B-related conditions. This variant is not present in population databases (gnomAD no frequency). This sequence change falls in intron 1 of the HNF1B gene. It does not directly change the encoded amino acid sequence of the HNF1B protein.